The following is an entry in ClinVar:

ClinVar aggregate classification (germline): Uncertain significance (1 of 4 stars; one submission).

Conditions:
Cardiovascular phenotype. Identifiers: MedGen CN230736.

gnomAD v4.1: 4 of 1,614,130 alleles (0.00025%); highest among the groups gnomAD compares: Non-Finnish European, 0.00025%; no homozygotes.

Submission:

Ambry Genetics
Classification: Uncertain significance for Cardiovascular phenotype. Last evaluated: 2024-05-02. Review status: criteria provided, single submitter. Criteria: Ambry Variant Classification Scheme 2023. Collection method: clinical testing. Allele origin: germline.
Comment: The p.K409N variant (also known as c.1227G>C), located in coding exon 7 of the CYP27A1 gene, results from a G to C substitution at nucleotide position 1227. The lysine at codon 409 is replaced by asparagine, an amino acid with similar properties. This amino acid position is conserved. In addition, this alteration is predicted to be tolerated by in silico analysis. Based on the available evidence, the clinical significance of this variant remains unclear.

NM_000784.4(CYP27A1):c.1227G>C (p.Lys409Asn)

Gene: CYP27A1 (cytochrome P450 family 27 subfamily A member 1; plus strand). Cytogenetic location: 2q35.
Variant type: single nucleotide variant.
Coding change: c.1227G>C on transcript NM_000784.4 (MANE Select); coding-DNA position 1227, G replaced by C.
Protein change: p.Lys409Asn; replaces lysine 409 with asparagine.
Molecular consequence: missense variant.
Genome position (GRCh38, 1-based): chr2:218,814,422, G>C. VCF-style: chr2-218814422-G-C. GRCh37 (hg19) VCF-style: chr2-219679145-G-C.
Other names: short protein forms K409N.
Identifiers: ClinVar variation 3270528 (VCV003270528.1).